The following is an entry in ClinVar:

NM_004525.3(LRP2):c.11554C>G (p.His3852Asp)

Gene: LRP2 (LDL receptor related protein 2; minus strand). Cytogenetic location: 2q31.1.
Variant type: single nucleotide variant.
Coding change: c.11554C>G on transcript NM_004525.3 (MANE Select); coding-DNA position 11554, C replaced by G.
Protein change: p.His3852Asp; replaces histidine 3852 with aspartic acid.
Molecular consequence: missense variant.
Genome position (GRCh38, 1-based): chr2:169,168,620, G>C on the plus strand (C>G on the coding strand, the complement: LRP2 is on the minus strand). VCF-style: chr2-169168620-G-C. GRCh37 (hg19) VCF-style: chr2-170025130-G-C.
Other names: short protein forms H3852D.
Identifiers: ClinVar variation 1469459 (VCV001469459.7), dbSNP rs747599660, ClinGen allele CA1953027.

ClinVar aggregate classification (germline): Conflicting classifications of pathogenicity. Review status: criteria provided, conflicting classifications (1 of 4 stars). 3 submissions from 3 submitters: Uncertain significance (2); Likely benign (1). Last evaluated 2026-01-26.

Conditions:
Donnai-Barrow syndrome. Also called: DBS/FOAR SYNDROME; FACIOOCULOACOUSTICORENAL SYNDROME. Identifiers: Orphanet 2143, MedGen C1857277, MONDO:0009104, OMIM 222448.

Allele frequency attached by ClinVar (database versions not stated): gnomAD 0.00001; gnomAD exomes 0.00005 and 0.00023; TOPMed 0.00012; ExAC 0.00018.
gnomAD v4.1: 66 of 1,613,934 alleles (0.0041%); highest among the groups gnomAD compares: Admixed American, 0.11%; no homozygotes.

Submissions (3):

Labcorp Genetics (formerly Invitae), Labcorp
Classification: Uncertain significance. Last evaluated: 2026-01-26. Review status: criteria provided, single submitter. Criteria: Invitae Variant Classification Sherloc (09022015). Collection method: clinical testing. Allele origin: germline.
Comment: This sequence change replaces histidine, which is basic and polar, with aspartic acid, which is acidic and polar, at codon 3852 of the LRP2 protein (p.His3852Asp). This variant is present in population databases (rs747599660, gnomAD 0.2%). This variant has not been reported in the literature in individuals affected with LRP2-related conditions. ClinVar contains an entry for this variant (Variation ID: 1469459). An algorithm developed to predict the effect of missense changes on protein structure and function (PolyPhen-2) suggests that this variant is likely to be disruptive. In summary, the available evidence is currently insufficient to determine the role of this variant in disease. Therefore, it has been classified as a Variant of Uncertain Significance.

Fulgent Genetics
Classification: Uncertain significance for Donnai-Barrow syndrome. Last evaluated: 2024-04-10. Review status: criteria provided, single submitter. Criteria: ACMG Guidelines, 2015. Collection method: clinical testing. Allele origin: germline.

Blueprint Genetics
Classification: Likely benign. Last evaluated: 2022-11-06. Review status: criteria provided, single submitter. Criteria: ACMG Guidelines, 2015. Collection method: clinical testing. Allele origin: germline.